The following is an entry in ClinVar:

ClinVar aggregate classification (germline): Uncertain significance (1 of 4 stars; one submission).

Conditions:
Cardiovascular phenotype. Identifiers: MedGen CN230736.

Submission:

Ambry Genetics
Classification: Uncertain significance for Cardiovascular phenotype. Last evaluated: 2023-05-25. Review status: criteria provided, single submitter. Criteria: Ambry Variant Classification Scheme 2023. Collection method: clinical testing. Allele origin: germline.
Comment: The p.G29V variant (also known as c.86G>T), located in coding exon 1 of the KCNQ1 gene, results from a G to T substitution at nucleotide position 86. The glycine at codon 29 is replaced by valine, an amino acid with dissimilar properties. This amino acid position is well conserved in available vertebrate species. In addition, the in silico prediction for this alteration is inconclusive. Since supporting evidence is limited at this time, the clinical significance of this alteration remains unclear.

NM_000218.3(KCNQ1):c.86G>T (p.Gly29Val)

Gene: KCNQ1 (potassium voltage-gated channel subfamily Q member 1; plus strand). Cytogenetic location: 11p15.5.
Variant type: single nucleotide variant.
Coding change: c.86G>T on transcript NM_000218.3 (MANE Select); coding-DNA position 86, G replaced by T.
Protein change: p.Gly29Val; replaces glycine 29 with valine.
Molecular consequence: missense variant. On other transcripts: 5 prime UTR variant (1).
Genome position (GRCh38, 1-based): chr11:2,445,184, G>T. VCF-style: chr11-2445184-G-T. GRCh37 (hg19) VCF-style: chr11-2466414-G-T.
Other names: c.86G>T, p.Gly29Val (NM_001406836.1, NM_001406838.1); c.-277G>T (NM_001406837.1); short protein forms G29V.
Identifiers: ClinVar variation 2567548 (VCV002567548.2), dbSNP rs2496741046, ClinGen allele CA379116111.